The following is an entry in ClinVar:

NM_000548.5(TSC2):c.3786dup (p.Pro1263fs)

Gene: TSC2 (TSC complex subunit 2; plus strand). Cytogenetic location: 16p13.3.
Variant type: Duplication.
Coding change: c.3786dup on transcript NM_000548.5 (MANE Select); coding-DNA position 3786, one base duplicated (A; older notation c.3786dupA).
Protein change: p.Pro1263fs; shifts the reading frame from proline 1263.
Molecular consequence: frameshift variant.
Genome position (GRCh38, 1-based): chr16:2,081,770, A duplicated; the last of 3 consecutive A bases (chr16:2,081,768-2,081,770); duplicating any one gives the same sequence. VCF-style (leftmost placement, unchanged base first): chr16-2081767-C-CA. GRCh37 (hg19) VCF-style: chr16-2131768-C-CA.
Other names: c.3654dup, p.Pro1219fs (NM_001077183.3, NM_001370404.1); c.3786dup, p.Pro1263fs (NM_001114382.3); c.3546dup, p.Pro1183fs (NM_001318827.2); c.3510dup, p.Pro1171fs (NM_001318829.2); c.3054dup, p.Pro1019fs (NM_001318831.2); c.3687dup, p.Pro1230fs (NM_001318832.2); c.3657dup, p.Pro1220fs (NM_001363528.2, NM_001370405.1, NM_021055.3); short protein forms P1019fs, P1219fs, P1220fs, P1230fs, P1263fs, P1171fs, P1183fs.
Identifiers: ClinVar variation 838722 (VCV000838722.7), dbSNP rs2090170656, ClinGen allele CA916081759.

ClinVar aggregate classification (germline): Pathogenic/Likely pathogenic. Review status: criteria provided, multiple submitters, no conflicts (2 of 4 stars). 2 submissions from 2 submitters: Pathogenic (1); Likely pathogenic (1). Last evaluated 2023-01-06.

Conditions:
Tuberous sclerosis 2 (TSC2). Identifiers: Orphanet 805, MedGen C1860707, MONDO:0013199, OMIM 613254.

Submissions (2):

ARUP Laboratories, Molecular Genetics and Genomics, ARUP Laboratories
Classification: Likely pathogenic. Last evaluated: 2023-01-06. Review status: criteria provided, single submitter. Criteria: ARUP Molecular Germline Variant Investigation Process 2024. Collection method: clinical testing. Allele origin: germline.
Comment: The TSC2 c.3786dup; p.Pro1263ThrfsTer59 variant (rs2090170656), to our knowledge, is not reported in the medical literature but is reported in ClinVar (Variation ID: 838722). This variant is absent from the Genome Aggregation Database, indicating it is not a common polymorphism. This variant causes a frameshift by inserting a single nucleotide, so it is predicted to result in a truncated protein or mRNA subject to nonsense-mediated decay. Based on available information, this variant is considered to be likely pathogenic.

Labcorp Genetics (formerly Invitae), Labcorp
Classification: Pathogenic for Tuberous sclerosis 2. Last evaluated: 2019-01-19. Review status: criteria provided, single submitter. Criteria: Invitae Variant Classification Sherloc (09022015). Collection method: clinical testing. Allele origin: germline.
Comment: For these reasons, this variant has been classified as Pathogenic. Loss-of-function variants in TSC2 are known to be pathogenic (PMID: 10205261, 17304050). This variant has not been reported in the literature in individuals with TSC2-related conditions. This variant is not present in population databases (ExAC no frequency). This sequence change creates a premature translational stop signal (p.Pro1263Thrfs*59) in the TSC2 gene. It is expected to result in an absent or disrupted protein product.

Literature cited by the submitters: PubMed 10205261 (cited by Labcorp Genetics (formerly Invitae), Labcorp); PubMed 17304050 (cited by Labcorp Genetics (formerly Invitae), Labcorp).